The following is an entry in ClinVar:

ClinVar aggregate classification (germline): Uncertain significance. Review status: criteria provided, multiple submitters, no conflicts (2 of 4 stars). 2 submissions from 2 submitters: Uncertain significance (2). Last evaluated 2025-06-12.

Conditions:
Ciliary dyskinesia, primary, 37 (CILD37). Also called: CILIARY DYSKINESIA, PRIMARY, 37, WITH OR WITHOUT SITUS INVERSUS. Identifiers: MedGen C4539798, MONDO:0033204, OMIM 617577.
Spermatogenic failure 18. Identifiers: MedGen C4539783, MONDO:0054615, OMIM 617576.

Allele frequency attached by ClinVar (database versions not stated): gnomAD 0.00001; gnomAD exomes 0.00001 and 0.00002; TOPMed 0.00002.
gnomAD v4.1: 17 of 1,612,530 alleles (0.0011%); highest among the groups gnomAD compares: Admixed American, 0.0083%; no homozygotes.

Submissions (2):

Labcorp Genetics (formerly Invitae), Labcorp
Classification: Uncertain significance for Ciliary dyskinesia, primary, 37; Spermatogenic failure 18. Last evaluated: 2025-06-12. Review status: criteria provided, single submitter. Criteria: Invitae Variant Classification Sherloc (09022015). Collection method: clinical testing. Allele origin: germline.
Comment: This sequence change replaces arginine, which is basic and polar, with cysteine, which is neutral and slightly polar, at codon 1001 of the DNAH1 protein (p.Arg1001Cys). This variant is present in population databases (no rsID available, gnomAD 0.009%). This variant has not been reported in the literature in individuals affected with DNAH1-related conditions. ClinVar contains an entry for this variant (Variation ID: 544601). An algorithm developed to predict the effect of missense changes on protein structure and function (PolyPhen-2) suggests that this variant is likely to be disruptive. In summary, the available evidence is currently insufficient to determine the role of this variant in disease. Therefore, it has been classified as a Variant of Uncertain Significance.

Ambry Genetics
Classification: Uncertain significance. Last evaluated: 2021-06-22. Review status: criteria provided, single submitter. Criteria: Ambry Variant Classification Scheme 2023. Collection method: clinical testing. Allele origin: germline.

NM_015512.5(DNAH1):c.3001C>T (p.Arg1001Cys)

Gene: DNAH1 (dynein axonemal heavy chain 1; plus strand). Cytogenetic location: 3p21.1.
Variant type: single nucleotide variant.
Coding change: c.3001C>T on transcript NM_015512.5 (MANE Select); coding-DNA position 3001, C replaced by T.
Protein change: p.Arg1001Cys; replaces arginine 1001 with cysteine.
Molecular consequence: missense variant.
Genome position (GRCh38, 1-based): chr3:52,352,681, C>T. VCF-style: chr3-52352681-C-T. GRCh37 (hg19) VCF-style: chr3-52386697-C-T.
Other names: short protein forms R1001C.
Identifiers: ClinVar variation 544601 (VCV000544601.6), dbSNP rs923937332, ClinGen allele CA74742444.